The following is an entry in ClinVar:

ClinVar aggregate classification (germline): Likely pathogenic. Review status: criteria provided, multiple submitters, no conflicts (2 of 4 stars). 2 submissions from 2 submitters: Likely pathogenic (2). Last evaluated 2021-04-01.

Conditions:
Neurodevelopmental disorder with language impairment and behavioral abnormalities. Also called: GRIA2-related neurodevelopmental disorder. Identifiers: MedGen C5394502, MONDO:0030060, OMIM 618917.

Allele frequency attached by ClinVar (database versions not stated): gnomAD 0.00001; 1000 Genomes Project 30x 0.00016.
gnomAD v4.1: 1 of 1,612,362 alleles (0.000062%); highest among the groups gnomAD compares: South Asian, 0.0011%; no homozygotes.

Submissions (2):

SIB Swiss Institute of Bioinformatics
Classification: Likely pathogenic for Neurodevelopmental disorder with language impairment and behavioral abnormalities. Last evaluated: 2021-04-01. Review status: criteria provided, single submitter. Criteria: ACMG Guidelines, 2015. Collection method: curation. Allele origin: unknown.
Comment: This variant is interpreted as likely pathogenic for Neurodevelopmental disorder with language impairment and behavioral abnormalities, autosomal dominant. The following ACMG Tag(s) were applied: Absent from controls (or at extremely low frequency if recessive) in Exome Sequencing Project, 1000 Genomes Project, or Exome Aggregation Consortium (PM2); De novo (assumed de novo) (PM6 downgraded to supporting); Predicted nullvariant in a gene where LOF is a known mechanism of disease (PVS1 downgraded to strong).

CeGaT Center for Human Genetics Tuebingen
Classification: Likely pathogenic. Last evaluated: 2020-12-01. Review status: criteria provided, single submitter. Criteria: CeGaT Center For Human Genetics Tuebingen Variant Classification Criteria Version 2. Collection method: clinical testing. Allele origin: germline. Affected: yes. Observed: 1 variant allele.

Literature cited by the submitters: PubMed 31300657 (cited by SIB Swiss Institute of Bioinformatics).

NM_001083619.3(GRIA2):c.967C>T (p.Arg323Ter)

Gene: GRIA2 (glutamate ionotropic receptor AMPA type subunit 2; plus strand). Cytogenetic location: 4q32.1.
Variant type: single nucleotide variant.
Coding change: c.967C>T on transcript NM_001083619.3 (MANE Select); coding-DNA position 967, C replaced by T.
Protein change: p.Arg323Ter; replaces arginine 323 with a stop codon.
Molecular consequence: nonsense.
Genome position (GRCh38, 1-based): chr4:157,332,903, C>T. VCF-style: chr4-157332903-C-T. GRCh37 (hg19) VCF-style: chr4-158254055-C-T.
Other names: c.967C>T, p.Arg323Ter (NM_000826.6); c.826C>T, p.Arg276Ter (NM_001083620.3, NM_001379000.3, NM_001379001.3); short protein forms R276*, R323*.
Identifiers: ClinVar variation 1012507 (VCV001012507.39), dbSNP rs143505003, ClinGen allele CA109186385.